The following is an entry in ClinVar:

ClinVar aggregate classification (germline): Benign/Likely benign. Review status: criteria provided, multiple submitters, no conflicts (2 of 4 stars). 3 submissions from 3 submitters: Benign (1); Likely benign (2). Last evaluated 2026-01-19.

Allele frequency attached by ClinVar (database versions not stated): 1000 Genomes Project 30x 0.00047; 1000 Genomes Project 0.00060; TOPMed 0.00076; gnomAD 0.00085 and 0.00088; ESP Exome Variant Server 0.00092; gnomAD exomes 0.00114 and 0.00143; ExAC 0.00133.
gnomAD v4.1: 2,193 of 1,613,610 alleles (0.14%); highest among the groups gnomAD compares: Middle Eastern, 0.26%; 5 homozygotes.

Submissions (3):

Labcorp Genetics (formerly Invitae), Labcorp
Classification: Benign. Last evaluated: 2026-01-19. Review status: criteria provided, single submitter. Criteria: Invitae Variant Classification Sherloc (09022015). Collection method: clinical testing. Allele origin: germline.

GeneDx
Classification: Likely benign. Last evaluated: 2018-04-04. Review status: criteria provided, single submitter. Criteria: GeneDx Variant Classification (06012015). Collection method: clinical testing. Allele origin: germline. Affected: yes.
Comment: This variant is considered likely benign or benign based on one or more of the following criteria: it is a conservative change, it occurs at a poorly conserved position in the protein, it is predicted to be benign by multiple in silico algorithms, and/or has population frequency not consistent with disease.

Breakthrough Genomics
Classification: Likely benign. Review status: criteria provided, single submitter. Criteria: ACMG Guidelines, 2015. Collection method: not provided. Allele origin: germline. Inheritance: Autosomal recessive inheritance. Affected: yes.

NM_005682.7(ADGRG1):c.1952-19G>A

Gene: ADGRG1 (adhesion G protein-coupled receptor G1; plus strand). Cytogenetic location: 16q21.
Variant type: single nucleotide variant.
Coding change: c.1952-19G>A on transcript NM_005682.7; 19 bases into the intron before coding-DNA position 1952, G replaced by A.
Genome position (GRCh38, 1-based): chr16:57,663,433, G>A. VCF-style: chr16-57663433-G-A. GRCh37 (hg19) VCF-style: chr16-57697345-G-A.
Other names: c.1934-19G>A (NM_001370440.1, NM_001370436.1, NM_001370438.1 and 8 more transcripts); c.1952-19G>A (NM_001370428.1, NM_001370430.1, NM_001370431.1 and 3 more transcripts); c.1442-19G>A (NM_001290142.2); c.1409-19G>A (NM_001370451.1, NM_001370453.1, NM_001370454.1 and 1 more transcripts); c.1427-19G>A (NM_001290143.2); c.1949-19G>A (NM_001370434.1, NM_001370433.1, NM_001145773.3); c.1778-19G>A (NM_001370442.1); c.1931-19G>A (NM_001370441.1).
Identifiers: ClinVar variation 668884 (VCV000668884.10), dbSNP rs200654268, ClinGen allele CA8078906.
Genomic context (GRCh38, chr16:57,663,433, plus strand): 5'-TCACAATGGCTGGGGAGGGAGGAGGAGGGATGGGGTGGGGCTCCCCCACCTGCTGACCCC[G>A]TGCCCTCACTGCCCGCAGGCTTCCTCATCTTCATCTGGTACTGGTCCATGCGGCTGCAGG-3'